The following is an entry in ClinVar:

ClinVar aggregate classification (germline): Uncertain significance. Review status: criteria provided, single submitter (1 of 4 stars). 2 submissions from 2 submitters: Uncertain significance (1). 1 of the submissions does not count toward it. Last evaluated 2022-03-26.

Conditions:
Mucopolysaccharidosis, MPS-III-C (MPS3C). Also called: SANFILIPPO SYNDROME C; MPS III C; mucopolysaccharidosis type 3C; MUCOPOLYSACCHARIDOSIS, TYPE IIIC; MPS IIIC (Sanfilippo Syndrome Type C); Mucopolysaccharidosis type IIIC (Sanfilippo C). Identifiers: Orphanet 581, Orphanet 79271, MedGen C0086649, MONDO:0009657, OMIM 252930.
Retinitis pigmentosa 73 (RP73). Identifiers: Orphanet 791, MedGen C4225287, MONDO:0014687, OMIM 616544.

Submissions (2):

Labcorp Genetics (formerly Invitae), Labcorp
Classification: Uncertain significance for Retinitis pigmentosa 73; Mucopolysaccharidosis, MPS-III-C. Last evaluated: 2022-03-26. Review status: criteria provided, single submitter. Criteria: Invitae Variant Classification Sherloc (09022015). Collection method: clinical testing. Allele origin: germline.
Comment: This sequence change replaces leucine, which is neutral and non-polar, with serine, which is neutral and polar, at codon 80 of the HGSNAT protein (p.Leu80Ser). This variant is present in population databases (no rsID available, gnomAD 0.0009%). This variant has not been reported in the literature in individuals affected with HGSNAT-related conditions. Advanced modeling of protein sequence and biophysical properties (such as structural, functional, and spatial information, amino acid conservation, physicochemical variation, residue mobility, and thermodynamic stability) performed at Invitae indicates that this missense variant is not expected to disrupt HGSNAT protein function. In summary, the available evidence is currently insufficient to determine the role of this variant in disease. Therefore, it has been classified as a Variant of Uncertain Significance.

Natera, Inc.
Classification: Uncertain significance for Mucopolysaccharidosis type IIIC. Last evaluated: 2025-01-26. Review status: no assertion criteria provided. Collection method: clinical testing. Allele origin: germline. Not counted in ClinVar's aggregate classification.

NM_152419.3(HGSNAT):c.239T>C (p.Leu80Ser)

Gene: HGSNAT (heparan-alpha-glucosaminide N-acetyltransferase; plus strand). Cytogenetic location: 8p11.21.
Variant type: single nucleotide variant.
Coding change: c.239T>C on transcript NM_152419.3 (MANE Select); coding-DNA position 239, T replaced by C.
Protein change: p.Leu80Ser; replaces leucine 80 with serine.
Molecular consequence: missense variant. On other transcripts: 5 prime UTR variant (1).
Genome position (GRCh38, 1-based): chr8:43,158,579, T>C. VCF-style: chr8-43158579-T-C. GRCh37 (hg19) VCF-style: chr8-43013722-T-C.
Other names: c.239T>C (NM_152419.2); c.239T>C, p.Leu80Ser (NM_001363227.2, NM_001363228.2); c.-595T>C (NM_001363229.2); short protein forms L80S.
Identifiers: ClinVar variation 2152679 (VCV002152679.2), dbSNP rs1205856414, ClinGen allele CA371125032.